The following is an entry in ClinVar:

ClinVar aggregate classification (germline): Uncertain significance (1 of 4 stars; one submission).

Conditions:
Alstrom syndrome (ALMS). Identifiers: Orphanet 64, MedGen C0268425, MONDO:0008763, OMIM 203800.

gnomAD v4.1: 1 of 1,614,088 alleles (0.000062%); no homozygotes.

Submission:

Labcorp Genetics (formerly Invitae), Labcorp
Classification: Uncertain significance for Alstrom syndrome. Last evaluated: 2024-10-29. Review status: criteria provided, single submitter. Criteria: Invitae Variant Classification Sherloc (09022015). Collection method: clinical testing. Allele origin: germline.
Comment: This sequence change replaces alanine, which is neutral and non-polar, with valine, which is neutral and non-polar, at codon 885 of the ALMS1 protein (p.Ala885Val). This variant is not present in population databases (gnomAD no frequency). This variant has not been reported in the literature in individuals affected with ALMS1-related conditions. ClinVar contains an entry for this variant (Variation ID: 2415181). Experimental studies and prediction algorithms are not available or were not evaluated, and the functional significance of this variant is currently unknown. In summary, the available evidence is currently insufficient to determine the role of this variant in disease. Therefore, it has been classified as a Variant of Uncertain Significance.

NM_001378454.1(ALMS1):c.2651C>T (p.Ala884Val)

Gene: ALMS1 (ALMS1 centrosome and basal body associated protein; plus strand). Cytogenetic location: 2p13.1.
Variant type: single nucleotide variant.
Coding change: c.2651C>T on transcript NM_001378454.1 (MANE Select); coding-DNA position 2651, C replaced by T.
Protein change: p.Ala884Val; replaces alanine 884 with valine.
Molecular consequence: missense variant.
Genome position (GRCh38, 1-based): chr2:73,449,178, C>T. VCF-style: chr2-73449178-C-T. GRCh37 (hg19) VCF-style: chr2-73676305-C-T.
Other names: c.2654C>T, p.Ala885Val (NM_015120.4); short protein forms A884V, A885V.
Identifiers: ClinVar variation 2415181 (VCV002415181.5), dbSNP rs2466095257, ClinGen allele CA347270915.